The following is an entry in ClinVar:

ClinVar aggregate classification (germline): Uncertain significance (1 of 4 stars; one submission).

Submission:

GeneDx
Classification: Uncertain significance. Last evaluated: 2024-08-08. Review status: criteria provided, single submitter. Criteria: GeneDx Variant Classification Process June 2021. Collection method: clinical testing. Allele origin: germline. Affected: yes.
Comment: Not observed at significant frequency in large population cohorts (gnomAD); In silico analysis supports that this missense variant has a deleterious effect on protein structure/function; Has not been previously published as pathogenic or benign to our knowledge

NM_015488.5(PNKD):c.989C>G (p.Pro330Arg)

Genes: CATIP-AS2 (CATIP antisense RNA 2; minus strand), PNKD (PNKD metallo-beta-lactamase domain containing; plus strand). Cytogenetic location: 2q35.
Variant type: single nucleotide variant.
Coding change: c.989C>G on transcript NM_015488.5 (MANE Select); coding-DNA position 989, C replaced by G.
Protein change: p.Pro330Arg; replaces proline 330 with arginine.
Molecular consequence: missense variant.
Genome position (GRCh38, 1-based): chr2:218,344,812, C>G. VCF-style: chr2-218344812-C-G. GRCh37 (hg19) VCF-style: chr2-219209535-C-G.
Other names: c.917C>G, p.Pro306Arg (NM_022572.5); short protein forms P306R, P330R.
Identifiers: ClinVar variation 3602873 (VCV003602873.1).